The following is an entry in ClinVar:

NM_001148.6(ANK2):c.5048C>A (p.Pro1683His)

Gene: ANK2 (ankyrin 2; plus strand). Cytogenetic location: 4q26.
Variant type: single nucleotide variant.
Coding change: c.5048C>A on transcript NM_001148.6 (MANE Select); coding-DNA position 5048, C replaced by A.
Protein change: p.Pro1683His; replaces proline 1683 with histidine.
Molecular consequence: missense variant. On other transcripts: intron variant (68).
Genome position (GRCh38, 1-based): chr4:113,353,666, C>A. VCF-style: chr4-113353666-C-A. GRCh37 (hg19) VCF-style: chr4-114274822-C-A.
Other names: c.4814C>A, p.Pro1605His (NM_001386142.1); c.1448C>A, p.Pro483His (NM_001386166.1); c.5189C>A, p.Pro1730His (NM_001386174.1); c.5165C>A, p.Pro1722His (NM_001386175.1); c.4411+3417C>A (NM_001386186.2, NM_001386148.2); c.4213+3417C>A (NM_001354269.3); c.4291+3417C>A (NM_001386187.2); c.4252+3417C>A (NM_001386147.1); and 35 more; short protein forms P1605H, P1683H, P1722H, P1730H, P483H.
Identifiers: ClinVar variation 2662255 (VCV002662255.1), dbSNP rs2505286577, ClinGen allele CA357917988.

ClinVar aggregate classification (germline): Uncertain significance (1 of 4 stars; one submission).

gnomAD v4.1: 5 of 1,613,880 alleles (0.00031%); highest among the groups gnomAD compares: Non-Finnish European, 0.00042%; no homozygotes.

Submission:

GeneDx
Classification: Uncertain significance. Last evaluated: 2023-05-14. Review status: criteria provided, single submitter. Criteria: GeneDx Variant Classification Process June 2021. Collection method: clinical testing. Allele origin: germline. Affected: yes.
Comment: Not observed at significant frequency in large population cohorts (gnomAD); In silico analysis supports that this missense variant does not alter protein structure/function; Has not been previously published as pathogenic or benign to our knowledge